The following is an entry in ClinVar:

NM_182931.3(KMT2E):c.2018T>C (p.Met673Thr)

Gene: KMT2E (lysine methyltransferase 2E (inactive); plus strand). Cytogenetic location: 7q22.3.
Variant type: single nucleotide variant.
Coding change: c.2018T>C on transcript NM_182931.3 (MANE Select); coding-DNA position 2018, T replaced by C.
Protein change: p.Met673Thr; replaces methionine 673 with threonine.
Molecular consequence: missense variant.
Genome position (GRCh38, 1-based): chr7:105,102,016, T>C. VCF-style: chr7-105102016-T-C. GRCh37 (hg19) VCF-style: chr7-104742463-T-C.
Other names: c.2018T>C, p.Met673Thr (NM_001410908.1, NM_018682.4); short protein forms M673T.
Identifiers: ClinVar variation 2881510 (VCV002881510.3), dbSNP rs1438008148, ClinGen allele CA368784825.

ClinVar aggregate classification (germline): Uncertain significance (1 of 4 stars; one submission).

Allele frequency attached by ClinVar (database versions not stated): gnomAD exomes below 0.00001.

Submission:

Labcorp Genetics (formerly Invitae), Labcorp
Classification: Uncertain significance. Last evaluated: 2024-01-11. Review status: criteria provided, single submitter. Criteria: Invitae Variant Classification Sherloc (09022015). Collection method: clinical testing. Allele origin: germline.
Comment: This sequence change replaces methionine, which is neutral and non-polar, with threonine, which is neutral and polar, at codon 673 of the KMT2E protein (p.Met673Thr). This variant is present in population databases (no rsID available, gnomAD 0.003%). This variant has not been reported in the literature in individuals affected with KMT2E-related conditions. Advanced modeling of protein sequence and biophysical properties (such as structural, functional, and spatial information, amino acid conservation, physicochemical variation, residue mobility, and thermodynamic stability) performed at Invitae indicates that this missense variant is not expected to disrupt KMT2E protein function with a negative predictive value of 80%. In summary, the available evidence is currently insufficient to determine the role of this variant in disease. Therefore, it has been classified as a Variant of Uncertain Significance.